The following is an entry in ClinVar:

NM_000039.3(APOA1):c.599C>T (p.Ala200Val)

Gene: APOA1 (apolipoprotein A1; minus strand). Cytogenetic location: 11q23.3.
Variant type: single nucleotide variant.
Coding change: c.599C>T on transcript NM_000039.3 (MANE Select); coding-DNA position 599, C replaced by T.
Protein change: p.Ala200Val; replaces alanine 200 with valine.
Molecular consequence: missense variant.
Genome position (GRCh38, 1-based): chr11:116,836,013, G>A on the plus strand (C>T on the coding strand, the complement: APOA1 is on the minus strand). VCF-style: chr11-116836013-G-A. GRCh37 (hg19) VCF-style: chr11-116706729-G-A.
Other names: c.599C>T, p.Ala200Val (NM_001318017.2, NM_001318018.2); c.272C>T, p.Ala91Val (NM_001318021.2); short protein forms A200V, A91V.
Identifiers: ClinVar variation 2566615 (VCV002566615.2), dbSNP rs2540288425, ClinGen allele CA382715014.

ClinVar aggregate classification (germline): Uncertain significance (1 of 4 stars; one submission).

Conditions:
Cardiovascular phenotype. Identifiers: MedGen CN230736.

Submission:

Ambry Genetics
Classification: Uncertain significance for Cardiovascular phenotype. Last evaluated: 2023-03-31. Review status: criteria provided, single submitter. Criteria: Ambry Variant Classification Scheme 2023. Collection method: clinical testing. Allele origin: germline.
Comment: The p.A200V variant (also known as c.599C>T), located in coding exon 3 of the APOA1 gene, results from a C to T substitution at nucleotide position 599. The alanine at codon 200 is replaced by valine, an amino acid with similar properties. This amino acid position is conserved. In addition, this alteration is predicted to be tolerated by in silico analysis. Since supporting evidence is limited at this time, the clinical significance of this alteration remains unclear.